The following is an entry in ClinVar:

ClinVar aggregate classification (germline): Likely benign. Review status: criteria provided, multiple submitters, no conflicts (2 of 4 stars). 2 submissions from 2 submitters: Likely benign (2). Last evaluated 2024-08-07.

Conditions:
Juvenile polyposis syndrome (JPS). Identifiers: Orphanet 2929, MedGen C0345893, MONDO:0017380, OMIM 174900.

Submissions (2):

Myriad Genetics, Inc.
Classification: Likely benign for Juvenile polyposis syndrome. Last evaluated: 2024-08-07. Review status: criteria provided, single submitter. Criteria: Myriad Autosomal Dominant, Autosomal Recessive and X-Linked Classification Criteria (2023). Collection method: clinical testing. Allele origin: unknown.
Comment: This variant is considered likely benign. This variant is intronic and is not expected to impact mRNA splicing.

Labcorp Genetics (formerly Invitae), Labcorp
Classification: Likely benign for Juvenile polyposis syndrome. Last evaluated: 2022-04-28. Review status: criteria provided, single submitter. Criteria: Invitae Variant Classification Sherloc (09022015). Collection method: clinical testing. Allele origin: germline.

NM_004329.3(BMPR1A):c.1342+8T>A

Gene: BMPR1A (bone morphogenetic protein receptor type 1A; plus strand). Cytogenetic location: 10q23.2.
Variant type: single nucleotide variant.
Coding change: c.1342+8T>A on transcript NM_004329.3 (MANE Select); 8 bases into the intron after coding-DNA position 1342, T replaced by A.
Molecular consequence: intron variant.
Genome position (GRCh38, 1-based): chr10:86,921,703, T>A. VCF-style: chr10-86921703-T-A. GRCh37 (hg19) VCF-style: chr10-88681460-T-A.
Identifiers: ClinVar variation 2131005 (VCV002131005.5), dbSNP rs2539638892, ClinGen allele CA2580082356.
Genomic context (GRCh38, chr10:86,921,703, plus strand): 5'-CTACAGCTTCGGCCTAATCATTTGGGAGATGGCTCGTCGTTGTATCACAGGAGGTGGGAG[T>A]TTGAGTAGTTTCTGATTATGTTGATTTACTCATCATTTTAAAAATAACAGCTCCAGTTAT-3'